The following is an entry in ClinVar:

ClinVar aggregate classification (germline): Likely benign. Review status: criteria provided, single submitter (1 of 4 stars). 2 submissions from 2 submitters: Likely benign (1). 1 of the submissions does not count toward it. Last evaluated 2025-09-28.

Conditions:
FBLN5-related disorder. Also called: FBLN5-related condition.

Allele frequency attached by ClinVar (database versions not stated): ExAC 0.00001; gnomAD 0.00001; TOPMed 0.00002.
gnomAD v4.1: 25 of 1,612,982 alleles (0.0015%); highest among the groups gnomAD compares: South Asian, 0.0033%; no homozygotes.

Submissions (2):

Labcorp Genetics (formerly Invitae), Labcorp
Classification: Likely benign. Last evaluated: 2025-09-28. Review status: criteria provided, single submitter. Criteria: Invitae Variant Classification Sherloc (09022015). Collection method: clinical testing. Allele origin: germline.

PreventionGenetics, part of Exact Sciences
Classification: Likely benign for FBLN5-related condition. Last evaluated: 2023-03-02. Review status: no assertion criteria provided. Collection method: clinical testing. Allele origin: germline. Not counted in ClinVar's aggregate classification.
Comment: This variant is classified as likely benign based on ACMG/AMP sequence variant interpretation guidelines (Richards et al. 2015 PMID: 25741868, with internal and published modifications).

NM_006329.4(FBLN5):c.663C>T (p.Cys221=)

Gene: FBLN5 (fibulin 5; minus strand). Cytogenetic location: 14q32.12.
Variant type: single nucleotide variant.
Coding change: c.663C>T on transcript NM_006329.4 (MANE Select); coding-DNA position 663, C replaced by T.
Protein change: p.Cys221=; no amino-acid change (cysteine 221 retained).
Molecular consequence: synonymous variant.
Genome position (GRCh38, 1-based): chr14:91,887,269, G>A on the plus strand (C>T on the coding strand, the complement: FBLN5 is on the minus strand). VCF-style: chr14-91887269-G-A. GRCh37 (hg19) VCF-style: chr14-92353613-G-A.
Other names: c.786C>T, p.Cys262= (NM_001384158.1); c.714C>T, p.Cys238= (NM_001384159.1); c.663C>T, p.Cys221= (NM_001384160.1); c.495C>T, p.Cys165= (NM_001384161.1, NM_001384162.1).
Identifiers: ClinVar variation 2962505 (VCV002962505.5), dbSNP rs749082816, ClinGen allele CA7312765.